The following is an entry in ClinVar:

NM_000020.3(ACVRL1):c.526-22_526-12del

Gene: ACVRL1 (activin A receptor like type 1; plus strand). Cytogenetic location: 12q13.13.
Variant type: Deletion.
Coding change: c.526-22_526-12del on transcript NM_000020.3 (MANE Select); 22 bases into the intron before coding-DNA position 526 through 12 bases into the intron before coding-DNA position 526, 11 bases deleted (AGTGGCCTCTC).
Molecular consequence: intron variant.
Genome position (GRCh38, 1-based): chr12:51,913,952-51,913,962, AGTGGCCTCTC deleted; deleting any 11 consecutive bases within chr12:51,913,945-51,913,962 gives the same sequence; the c. name uses the placement nearest the transcript's 3' end. VCF-style (leftmost placement, unchanged base first): chr12-51913944-AGCCTCTCAGTG-A. GRCh37 (hg19) VCF-style: chr12-52307728-AGCCTCTCAGTG-A.
Other names: c.526-22_526-12del (NM_001406487.1, NM_001406488.1, NM_001077401.2 and 1 more transcripts); c.314-487_314-477del (NM_001406491.1, NM_001406490.1, NM_001406492.1 and 2 more transcripts); c.62-487_62-477del (NM_001406495.1).
Identifiers: ClinVar variation 4755047 (VCV004755047.2).
Genomic context (GRCh38, chr12:51,913,944, plus strand): 5'-TGCAGTGACCCAGCAGGTCCCAGGTCGAGGATAGAGAAGGGGGCTGTGGCTGGTTGTGGC[AGCCTCTCAGTG>A]GCCTCTCCGTACCCCCAGGACCTCCTGGACAGTGACTGCACCACAGGGAGTGGCTCAGGG-3'

ClinVar aggregate classification (germline): Conflicting classifications of pathogenicity. Review status: criteria provided, conflicting classifications (1 of 4 stars). 2 submissions from 2 submitters: Uncertain significance (1); Likely benign (1). Last evaluated 2026-01-14.

Conditions:
Telangiectasia, hereditary hemorrhagic, type 2 (HHT2). Also called: ACVRL1-Related Hereditary Hemorrhagic Telangiectasia; Telangiectasia, hereditary hemorrhagic, type II. Identifiers: Orphanet 774, MedGen C1838163, MONDO:0010880, OMIM 600376. Disease mechanism: loss of function.

Submissions (2):

Labcorp Genetics (formerly Invitae), Labcorp
Classification: Uncertain significance for Telangiectasia, hereditary hemorrhagic, type 2. Last evaluated: 2026-01-14. Review status: criteria provided, single submitter. Criteria: Invitae Variant Classification Sherloc (09022015). Collection method: clinical testing. Allele origin: germline.
Comment: This sequence change falls in intron 4 of the ACVRL1 gene. It does not directly change the encoded amino acid sequence of the ACVRL1 protein. This variant is not present in population databases (gnomAD no frequency). This variant has been observed in individual(s) with clinical features of hereditary hemorrhagic telangiectasia (internal data). Algorithms developed to predict the effect of sequence changes on RNA splicing suggest that this variant may disrupt the consensus splice site. In summary, the available evidence is currently insufficient to determine the role of this variant in disease. Therefore, it has been classified as a Variant of Uncertain Significance.

Blueprint Genetics
Classification: Likely benign. Last evaluated: 2023-05-02. Review status: criteria provided, single submitter. Criteria: ACMG Guidelines, 2015. Collection method: clinical testing. Allele origin: germline.